The following is an entry in ClinVar:

NM_000257.4(MYH7):c.1703A>G (p.Asn568Ser)

Gene: MYH7 (myosin heavy chain 7; minus strand). Cytogenetic location: 14q11.2.
Variant type: single nucleotide variant.
Coding change: c.1703A>G on transcript NM_000257.4 (MANE Select); coding-DNA position 1703, A replaced by G.
Protein change: p.Asn568Ser; replaces asparagine 568 with serine.
Molecular consequence: missense variant.
Genome position (GRCh38, 1-based): chr14:23,427,770, T>C on the plus strand (A>G on the coding strand, the complement: MYH7 is on the minus strand). VCF-style: chr14-23427770-T-C. GRCh37 (hg19) VCF-style: chr14-23896979-T-C.
Other names: short protein forms N568S.
Identifiers: ClinVar variation 926946 (VCV000926946.16), dbSNP rs1892752744, ClinGen allele CA389049998.

ClinVar aggregate classification (germline): Uncertain significance. Review status: criteria provided, multiple submitters, no conflicts (2 of 4 stars). 4 submissions from 4 submitters: Uncertain significance (4). Last evaluated 2025-01-15.

Conditions:
Hypertrophic cardiomyopathy. Also called: HYPERTROPHIC MYOCARDIOPATHY. Identifiers: Orphanet 217569, MedGen C0007194, MeSH D002312, MONDO:0005045, HP:0001639.
Cardiovascular phenotype. Identifiers: MedGen CN230736.
Cardiomyopathy (CMYO). Also called: Cardiomyopathies. Identifiers: Orphanet 167848, MedGen C0878544, MONDO:0004994, HP:0001638. Inheritance: Various modes of inheritance.

Submissions (4):

Ambry Genetics
Classification: Uncertain significance for Cardiovascular phenotype. Last evaluated: 2025-01-15. Review status: criteria provided, single submitter. Criteria: Ambry Variant Classification Scheme 2023. Collection method: clinical testing. Allele origin: germline.
Comment: The p.N568S variant (also known as c.1703A>G), located in coding exon 14 of the MYH7 gene, results from an A to G substitution at nucleotide position 1703. The asparagine at codon 568 is replaced by serine, an amino acid with highly similar properties. This amino acid position is not well conserved in available vertebrate species. In addition, this alteration is predicted to be tolerated by in silico analysis. Based on the available evidence, the clinical significance of this variant remains unclear.

All of Us Research Program, National Institutes of Health
Classification: Uncertain significance for Cardiomyopathy. Last evaluated: 2023-08-15. Review status: criteria provided, single submitter. Criteria: ACMG Guidelines, 2015. Collection method: clinical testing. Allele origin: germline. Inheritance: Autosomal dominant inheritance. Observed: 1 variant allele, 1 heterozygote.
Comment: This missense variant replaces asparagine with serine at codon 568 of the MYH7 protein. Computational prediction suggests that this variant may not impact protein structure and function (internally defined REVEL score threshold <= 0.5, PMID: 27666373). To our knowledge, functional studies have not been reported for this variant. This variant has not been reported in individuals affected with MYH7-related disorders in the literature. This variant has not been identified in the general population by the Genome Aggregation Database (gnomAD). The available evidence is insufficient to determine the role of this variant in disease conclusively. Therefore, this variant is classified as a Variant of Uncertain Significance.

This study involves interpretation of variants in research participants for the purpose of population health screening. Participant phenotype was not available at the time of variant classification. Additional details can be found in publication PMID: 35346344, PMCID: PMC8962531

Color Diagnostics, LLC DBA Color Health
Classification: Uncertain significance for Cardiomyopathy. Last evaluated: 2023-07-20. Review status: criteria provided, single submitter. Criteria: ACMG Guidelines, 2015. Collection method: clinical testing. Allele origin: germline.
Comment: This missense variant replaces asparagine with serine at codon 568 of the MYH7 protein. Computational prediction suggests that this variant may not impact protein structure and function (internally defined REVEL score threshold <= 0.5, PMID: 27666373). To our knowledge, functional studies have not been reported for this variant. This variant has not been reported in individuals affected with MYH7-related disorders in the literature. This variant has not been identified in the general population by the Genome Aggregation Database (gnomAD). The available evidence is insufficient to determine the role of this variant in disease conclusively. Therefore, this variant is classified as a Variant of Uncertain Significance.

Labcorp Genetics (formerly Invitae), Labcorp
Classification: Uncertain significance for Hypertrophic cardiomyopathy. Last evaluated: 2022-11-09. Review status: criteria provided, single submitter. Criteria: Invitae Variant Classification Sherloc (09022015). Collection method: clinical testing. Allele origin: germline.
Comment: In summary, the available evidence is currently insufficient to determine the role of this variant in disease. Therefore, it has been classified as a Variant of Uncertain Significance. This variant is found within a region of MYH7 between codons 181 and 937 that contains the majority of the myosin head domain. Missense variants in this region have been shown to be significantly overrepresented in individuals with hypertrophic cardiomyopathy (PMID: 27532257). Advanced modeling of protein sequence and biophysical properties (such as structural, functional, and spatial information, amino acid conservation, physicochemical variation, residue mobility, and thermodynamic stability) performed at Invitae indicates that this missense variant is not expected to disrupt MYH7 protein function. ClinVar contains an entry for this variant (Variation ID: 926946). This variant has not been reported in the literature in individuals affected with MYH7-related conditions. This variant is not present in population databases (gnomAD no frequency). This sequence change replaces asparagine, which is neutral and polar, with serine, which is neutral and polar, at codon 568 of the MYH7 protein (p.Asn568Ser).

Literature cited by the submitters: PubMed 27532257 (cited by Labcorp Genetics (formerly Invitae), Labcorp).